The following is an entry in ClinVar:

ClinVar aggregate classification (germline): Benign/Likely benign. Review status: criteria provided, multiple submitters, no conflicts (2 of 4 stars). 2 submissions from 2 submitters: Benign (1); Likely benign (1). Last evaluated 2025-02-04.

Conditions:
Lynch syndrome 4 (LYNCH4). Also called: Colorectal cancer, hereditary nonpolyposis, type 4; Hereditary non-polyposis colorectal cancer, type 4. Identifiers: Orphanet 144, MedGen C1838333, MONDO:0013699, OMIM 614337. Disease mechanism: loss of function.
Hereditary nonpolyposis colorectal neoplasms. Identifiers: MedGen C0009405, MeSH D003123.

Submissions (2):

Myriad Genetics, Inc.
Classification: Benign for Lynch syndrome 4. Last evaluated: 2025-02-04. Review status: criteria provided, single submitter. Criteria: Myriad Autosomal Dominant, Autosomal Recessive and X-Linked Classification Criteria (2023). Collection method: clinical testing. Allele origin: unknown.
Comment: This variant is considered benign. This variant is a silent/synonymous amino acid change and it is not expected to impact splicing.

Labcorp Genetics (formerly Invitae), Labcorp
Classification: Likely benign for Hereditary nonpolyposis colorectal neoplasms. Last evaluated: 2022-06-20. Review status: criteria provided, single submitter. Criteria: Invitae Variant Classification Sherloc (09022015). Collection method: clinical testing. Allele origin: germline.

NM_000535.7(PMS2):c.2337A>T (p.Gly779=)

Gene: PMS2 (PMS1 homolog 2, mismatch repair system component; minus strand). Cytogenetic location: 7p22.1.
Variant type: single nucleotide variant.
Coding change: c.2337A>T on transcript NM_000535.7 (MANE Select); coding-DNA position 2337, A replaced by T.
Protein change: p.Gly779=; no amino-acid change (glycine 779 retained).
Molecular consequence: synonymous variant. On other transcripts: non-coding transcript variant (1).
Genome position (GRCh38, 1-based): chr7:5,977,696, T>A on the plus strand (A>T on the coding strand, the complement: PMS2 is on the minus strand). VCF-style: chr7-5977696-T-A. GRCh37 (hg19) VCF-style: chr7-6017327-T-A.
Other names: c.1932A>T, p.Gly644= (NM_001322003.2, NM_001322004.2, NM_001322005.2); c.2181A>T, p.Gly727= (NM_001322006.2); c.2019A>T, p.Gly673= (NM_001322007.2, NM_001322008.2); c.1965A>T, p.Gly655= (NM_001322009.2); c.1776A>T, p.Gly592= (NM_001322010.2); c.1404A>T, p.Gly468= (NM_001322011.2, NM_001322012.2); c.1764A>T, p.Gly588= (NM_001322013.2); c.2370A>T, p.Gly790= (NM_001322014.2); and 1 more.
Identifiers: ClinVar variation 797493 (VCV000797493.11), dbSNP rs1583280992, ClinGen allele CA453642433.